The following is an entry in ClinVar:

ClinVar aggregate classification (germline): Uncertain significance. Review status: criteria provided, multiple submitters, no conflicts (2 of 4 stars). 2 submissions from 2 submitters: Uncertain significance (2). Last evaluated 2025-05-19.

Conditions:
Hereditary cancer-predisposing syndrome. Also called: Neoplastic Syndromes, Hereditary; Tumor predisposition; Hereditary Cancer Syndrome; Hereditary neoplastic syndrome. Identifiers: Orphanet 140162, MedGen C0027672, MeSH D009386, MONDO:0015356.

Submissions (2):

Ambry Genetics
Classification: Uncertain significance for Hereditary cancer-predisposing syndrome. Last evaluated: 2025-05-19. Review status: criteria provided, single submitter. Criteria: Ambry Variant Classification Scheme 2023. Collection method: clinical testing. Allele origin: germline.
Comment: The p.D1211A variant (also known as c.3632A>C), located in coding exon 30 of the POLE gene, results from an A to C substitution at nucleotide position 3632. The aspartic acid at codon 1211 is replaced by alanine, an amino acid with dissimilar properties. This amino acid position is conserved. In addition, the in silico prediction for this alteration is inconclusive. Based on the available evidence, the clinical significance of this variant remains unclear.

Labcorp Genetics (formerly Invitae), Labcorp
Classification: Uncertain significance. Last evaluated: 2023-11-29. Review status: criteria provided, single submitter. Criteria: Invitae Variant Classification Sherloc (09022015). Collection method: clinical testing. Allele origin: germline.
Comment: This sequence change replaces aspartic acid, which is acidic and polar, with alanine, which is neutral and non-polar, at codon 1211 of the POLE protein (p.Asp1211Ala). This variant is not present in population databases (gnomAD no frequency). This variant has not been reported in the literature in individuals affected with POLE-related conditions. ClinVar contains an entry for this variant (Variation ID: 473611). Advanced modeling of protein sequence and biophysical properties (such as structural, functional, and spatial information, amino acid conservation, physicochemical variation, residue mobility, and thermodynamic stability) performed at Invitae indicates that this missense variant is expected to disrupt POLE protein function with a positive predictive value of 80%. In summary, the available evidence is currently insufficient to determine the role of this variant in disease. Therefore, it has been classified as a Variant of Uncertain Significance.

NM_006231.4(POLE):c.3632A>C (p.Asp1211Ala)

Gene: POLE (DNA polymerase epsilon, catalytic subunit; minus strand). Cytogenetic location: 12q24.33.
Variant type: single nucleotide variant.
Coding change: c.3632A>C on transcript NM_006231.4 (MANE Select); coding-DNA position 3632, A replaced by C.
Protein change: p.Asp1211Ala; replaces aspartic acid 1211 with alanine.
Molecular consequence: missense variant.
Genome position (GRCh38, 1-based): chr12:132,649,840, T>G on the plus strand (A>C on the coding strand, the complement: POLE is on the minus strand). VCF-style: chr12-132649840-T-G. GRCh37 (hg19) VCF-style: chr12-133226426-T-G.
Other names: c.3632A>C (NM_006231.2); short protein forms D1211A.
Identifiers: ClinVar variation 473611 (VCV000473611.12), dbSNP rs1555224110, ClinGen allele CA387386909.